The following is an entry in ClinVar:

NM_001364905.1(LRBA):c.3134C>T (p.Ala1045Val)

Gene: LRBA (LPS responsive beige-like anchor protein; minus strand). Cytogenetic location: 4q31.3.
Variant type: single nucleotide variant.
Coding change: c.3134C>T on transcript NM_001364905.1 (MANE Select); coding-DNA position 3134, C replaced by T.
Protein change: p.Ala1045Val; replaces alanine 1045 with valine.
Molecular consequence: missense variant.
Genome position (GRCh38, 1-based): chr4:150,852,576, G>A on the plus strand (C>T on the coding strand, the complement: LRBA is on the minus strand). VCF-style: chr4-150852576-G-A. GRCh37 (hg19) VCF-style: chr4-151773728-G-A.
Other names: c.3134C>T, p.Ala1045Val (NM_001199282.3, NM_001367550.1, NM_006726.5); short protein forms A1045V.
Identifiers: ClinVar variation 1427834 (VCV001427834.6), dbSNP rs779195284, ClinGen allele CA3103090.

ClinVar aggregate classification (germline): Uncertain significance (1 of 4 stars; one submission).

Conditions:
Combined immunodeficiency due to LRBA deficiency. Also called: Common variable immunodeficiency 8, with autoimmunity. Identifiers: Orphanet 445018, MedGen C3553512, MONDO:0013863, OMIM 614700.

Allele frequency attached by ClinVar (database versions not stated): TOPMed below 0.00001; gnomAD 0.00001; gnomAD exomes 0.00001 and 0.00002; ExAC 0.00004.
gnomAD v4.1: 13 of 1,613,924 alleles (0.00081%); highest among the groups gnomAD compares: South Asian, 0.014%; no homozygotes.

Submission:

Labcorp Genetics (formerly Invitae), Labcorp
Classification: Uncertain significance for Combined immunodeficiency due to LRBA deficiency. Last evaluated: 2022-06-20. Review status: criteria provided, single submitter. Criteria: Invitae Variant Classification Sherloc (09022015). Collection method: clinical testing. Allele origin: germline.
Comment: In summary, the available evidence is currently insufficient to determine the role of this variant in disease. Therefore, it has been classified as a Variant of Uncertain Significance. Algorithms developed to predict the effect of missense changes on protein structure and function output the following: SIFT: "Tolerated"; PolyPhen-2: "Benign"; Align-GVGD: "Class C0". The valine amino acid residue is found in multiple mammalian species, which suggests that this missense change does not adversely affect protein function. This variant has not been reported in the literature in individuals affected with LRBA-related conditions. This variant is present in population databases (rs779195284, gnomAD 0.02%). This sequence change replaces alanine, which is neutral and non-polar, with valine, which is neutral and non-polar, at codon 1045 of the LRBA protein (p.Ala1045Val).